The following is an entry in ClinVar:

ClinVar aggregate classification (germline): Uncertain significance. Review status: criteria provided, multiple submitters, no conflicts (2 of 4 stars). 2 submissions from 2 submitters: Uncertain significance (2). Last evaluated 2023-11-22.

Conditions:
Familial hemiplegic migraine. Identifiers: MedGen C0338484, MONDO:0000700.

Allele frequency attached by ClinVar (database versions not stated): TOPMed below 0.00001.

Submissions (2):

ARUP Laboratories, Molecular Genetics and Genomics, ARUP Laboratories
Classification: Uncertain significance. Last evaluated: 2023-11-22. Review status: criteria provided, single submitter. Criteria: ARUP Molecular Germline Variant Investigation Process 2024. Collection method: clinical testing. Allele origin: germline.

Labcorp Genetics (formerly Invitae), Labcorp
Classification: Uncertain significance for Familial hemiplegic migraine. Last evaluated: 2023-10-09. Review status: criteria provided, single submitter. Criteria: Invitae Variant Classification Sherloc (09022015). Collection method: clinical testing. Allele origin: germline.
Comment: This sequence change replaces alanine, which is neutral and non-polar, with valine, which is neutral and non-polar, at codon 117 of the ATP1A2 protein (p.Ala117Val). This variant is not present in population databases (gnomAD no frequency). This variant has not been reported in the literature in individuals affected with ATP1A2-related conditions. Advanced modeling of protein sequence and biophysical properties (such as structural, functional, and spatial information, amino acid conservation, physicochemical variation, residue mobility, and thermodynamic stability) performed at Invitae indicates that this missense variant is not expected to disrupt ATP1A2 protein function. In summary, the available evidence is currently insufficient to determine the role of this variant in disease. Therefore, it has been classified as a Variant of Uncertain Significance.

NM_000702.4(ATP1A2):c.350C>T (p.Ala117Val)

Gene: ATP1A2 (ATPase Na+/K+ transporting subunit alpha 2; plus strand). Cytogenetic location: 1q23.2.
Variant type: single nucleotide variant.
Coding change: c.350C>T on transcript NM_000702.4 (MANE Select); coding-DNA position 350, C replaced by T.
Protein change: p.Ala117Val; replaces alanine 117 with valine.
Molecular consequence: missense variant.
Genome position (GRCh38, 1-based): chr1:160,123,385, C>T. VCF-style: chr1-160123385-C-T. GRCh37 (hg19) VCF-style: chr1-160093175-C-T.
Other names: short protein forms A117V.
Identifiers: ClinVar variation 2767032 (VCV002767032.4), dbSNP rs1651481207, ClinGen allele CA343231794.
Genomic context (GRCh38, chr1:160,123,385, plus strand): 5'-GGTTCTCCATCCTGCTGTGGATTGGGGCTATCCTCTGCTTCCTGGCCTACGGCATCCAGG[C>T]TGCCATGGAGGATGAACCATCCAACGACAATGTGAGCCCACACGCCCGACCCGGGAACAG-3'
Protein context (NP_000693.1, residues 107-127): ILCFLAYGIQ[Ala117Val]AMEDEPSNDN